The following is an entry in ClinVar:

ClinVar aggregate classification (germline): Uncertain significance (1 of 4 stars; one submission).

Conditions:
Neuropathy, hereditary sensory and autonomic, type 2A (HSAN2A). Also called: MORVAN DISEASE; NEUROPATHY, CONGENITAL SENSORY; NEUROPATHY, HEREDITARY SENSORY RADICULAR, AUTOSOMAL RECESSIVE; NEUROPATHY, HEREDITARY SENSORY, TYPE IIA; NEUROPATHY, PROGRESSIVE SENSORY, OF CHILDREN; HSAN IIA. Identifiers: Orphanet 970, MedGen C2752089, MONDO:0024309, OMIM 201300.
Generalized epilepsy with febrile seizures plus, type 7 (GEFSP7). Also called: GEFS+, TYPE 7. Identifiers: Orphanet 36387, MedGen C2751778, MONDO:0013470, OMIM 613863.

Submission:

Labcorp Genetics (formerly Invitae), Labcorp
Classification: Uncertain significance for Neuropathy, hereditary sensory and autonomic, type 2A; Generalized epilepsy with febrile seizures plus, type 7. Last evaluated: 2022-06-19. Review status: criteria provided, single submitter. Criteria: Invitae Variant Classification Sherloc (09022015). Collection method: clinical testing. Allele origin: germline.
Comment: In summary, the available evidence is currently insufficient to determine the role of this variant in disease. Therefore, it has been classified as a Variant of Uncertain Significance. Algorithms developed to predict the effect of missense changes on protein structure and function (SIFT, PolyPhen-2, Align-GVGD) all suggest that this variant is likely to be tolerated. This variant has not been reported in the literature in individuals affected with SCN9A-related conditions. This variant is not present in population databases (gnomAD no frequency). This sequence change replaces glutamine, which is neutral and polar, with leucine, which is neutral and non-polar, at codon 369 of the SCN9A protein (p.Gln369Leu).

NM_001365536.1(SCN9A):c.1106A>T (p.Gln369Leu)

Genes: SCN1A-AS1 (SCN1A and SCN9A antisense RNA 1; plus strand), SCN9A (sodium voltage-gated channel alpha subunit 9; minus strand). Cytogenetic location: 2q24.3.
Variant type: single nucleotide variant.
Coding change: c.1106A>T on transcript NM_001365536.1 (MANE Select); coding-DNA position 1106, A replaced by T.
Protein change: p.Gln369Leu; replaces glutamine 369 with leucine.
Molecular consequence: missense variant.
Genome position (GRCh38, 1-based): chr2:166,293,232, T>A on the plus strand (A>T on the coding strand, the complement: SCN9A is on the minus strand). VCF-style: chr2-166293232-T-A. GRCh37 (hg19) VCF-style: chr2-167149742-T-A.
Other names: c.1106A>T, p.Gln369Leu (NM_002977.4); short protein forms Q369L.
Identifiers: ClinVar variation 2024823 (VCV002024823.4), dbSNP rs2468066147, ClinGen allele CA349088714.
Genomic context (GRCh38, chr2:166,293,232, plus strand): 5'-ACATACACCAGGTACATATGCCATTCAAAAATACAATGCATGTTTCTCTTGGTACTCACC[T>A]GTTGGTAAAGGTTTTCCCAGTAATCTTGGGTCATTAGCCTAAACAAGGCTAAGAAGGCCC-3'
Protein context (NP_001352465.1, residues 359-379): TQDYWENLYQ[Gln369Leu]TLRAAGKTYM